The following is an entry in ClinVar:

NM_001256317.3(TMPRSS3):c.1273G>A (p.Ala425Thr)

Gene: TMPRSS3 (transmembrane serine protease 3; minus strand). Cytogenetic location: 21q22.3.
Variant type: single nucleotide variant.
Coding change: c.1273G>A on transcript NM_001256317.3 (MANE Select); coding-DNA position 1273, G replaced by A.
Protein change: p.Ala425Thr; replaces alanine 425 with threonine.
Molecular consequence: missense variant.
Genome position (GRCh38, 1-based): chr21:42,375,787, C>T on the plus strand (G>A on the coding strand, the complement: TMPRSS3 is on the minus strand). VCF-style: chr21-42375787-C-T. GRCh37 (hg19) VCF-style: chr21-43795896-C-T.
Other names: c.1273G>A (NM_001256317.1); c.1276G>A, p.Ala426Thr (NM_024022.4); c.895G>A, p.Ala299Thr (NM_032404.3); short protein forms A426T, A299T, A425T.
Identifiers: ClinVar variation 46102 (VCV000046102.76), dbSNP rs56264519, ClinGen allele CA261810.

ClinVar aggregate classification (germline): Pathogenic/Likely pathogenic. Review status: criteria provided, multiple submitters, no conflicts (2 of 4 stars). 30 submissions from 30 submitters: Pathogenic (18); Likely pathogenic (9). 3 of the submissions do not count toward it. Last evaluated 2026-09-10.

Conditions:
TMPRSS3-related disorder. Also called: TMPRSS3-related condition.
Rare genetic deafness. Identifiers: Orphanet 96210, MedGen C5680250.
Monogenic hearing loss.
Nonsyndromic genetic hearing loss. Also called: Nonsyndromic hearing loss and deafness; Non-syndromic genetic deafness; Nonsyndromic genetic deafness. Identifiers: Orphanet 87884, MedGen C5680182, MONDO:0019497.
Autosomal recessive nonsyndromic hearing loss 8 (DFNB8). Also called: NEUROSENSORY NONSYNDROMIC RECESSIVE DEAFNESS 8; Deafness, autosomal recessive 10. Identifiers: Orphanet 90636, MedGen C1832827, MONDO:0010987, OMIM 601072.

Allele frequency attached by ClinVar (database versions not stated): 1000 Genomes Project 0.00040; ESP Exome Variant Server 0.00138; ExAC 0.00078; gnomAD exomes 0.00097 and 0.00157; gnomAD 0.00105 and 0.00108; TOPMed 0.00124; 1000 Genomes Project 30x 0.00031.

Submissions 1 to 11 of 30:

PreventionGenetics, part of Exact Sciences
Classification: Likely pathogenic for TMPRSS3-related condition. Last evaluated: 2026-09-10. Review status: criteria provided, single submitter. Criteria: ACMG Guidelines, 2015. Collection method: clinical testing. Allele origin: germline.
Comment: The TMPRSS3 c.1276G>A variant is predicted to result in the amino acid substitution p.Ala426Thr. This variant has been reported to be causative for autosomal recessive nonsyndromic hearing loss, although this variant has been shown to cause a milder phenotype with later age of onset compared to other TMPRSS3 variants (Lechowicz et al. 2017. PubMed ID: 28566687; Weegerink et al. 2011. PubMed ID: 21786053). Functional studies show that this variant demonstrates reduced protease activity (Lee et al. 2003. PubMed ID: 12920079). This variant is reported in 0.14% of alleles in individuals of European (Non-Finnish) descent in gnomAD. This variant is interpreted as likely pathogenic.

CeGaT Center for Human Genetics Tuebingen
Classification: Pathogenic. Last evaluated: 2026-07-01. Review status: criteria provided, single submitter. Criteria: CeGaT Center For Human Genetics Tuebingen Variant Classification Criteria Version 2. Collection method: clinical testing. Allele origin: germline. Affected: yes. Observed: 5 variant alleles.
Comment: TMPRSS3: PM3:Very Strong, PP1:Strong, PM2:Supporting, PS3:Supporting

Dasa
Classification: Pathogenic. Last evaluated: 2026-04-16. Review status: criteria provided, single submitter. Criteria: DASA Assertion Criteria. Collection method: clinical testing. Allele origin: germline.
Comment: NM_001256317.3(TMPRSS3):c.1273G>A (p.Ala425Thr) is a missense variant that results in the substitution of alanine with threonine. Segregation evidence has been reported in affected families. This variant has been recurrently observed in affected individuals with related phenotype in a genotype context consistent with recessive disease (PMID: 21786053; PMID: 28566687; PMID: 29196752; PMID: 12920079). Functional evidence supports a deleterious effect on the gene or gene product (PMID: 21786053; PMID: 28566687; PMID: 29196752; PMID: 12920079). The variant is present at low frequency in population datasets. Based on the available data, this variant is classified as pathogenic.

Victorian Clinical Genetics Services, Murdoch Childrens Research Institute
Classification: Pathogenic for Autosomal recessive nonsyndromic hearing loss 8. Last evaluated: 2026-04-13. Review status: criteria provided, single submitter. Criteria: ACMG Guidelines, 2015. Collection method: clinical testing. Allele origin: germline. Affected: yes.
Comment: This variant is classified as Pathogenic. Evidence in support of pathogenic classification: Variant is present in gnomAD (v4) <0.01 for a recessive condition (2457 heterozygotes, 6 homozygotes); This variant has strong previous evidence of pathogenicity in unrelated individuals. This variant has been reported many times as pathogenic or likely pathogenic, and has been reported in a compound heterozygous state in multiple individuals with hearing loss (ClinVar). Additional information: Variant is predicted to result in a missense amino acid change from Ala to Thr; This variant is heterozygous; This gene is associated with autosomal recessive disease; Variant is located in the annotated trypsin domain (DECIPHER); Missense variant with inconclusive in silico prediction and/or uninformative conservation; Loss of function is a known mechanism of disease in this gene and is associated with deafness, autosomal recessive 8/10 (MIM#601072); Inheritance information for this variant is not currently available in this individual.

Labcorp Genetics (formerly Invitae), Labcorp
Classification: Pathogenic. Last evaluated: 2026-02-02. Review status: criteria provided, single submitter. Criteria: Invitae Variant Classification Sherloc (09022015). Collection method: clinical testing. Allele origin: germline.
Comment: This sequence change replaces alanine, which is neutral and non-polar, with threonine, which is neutral and polar, at codon 426 of the TMPRSS3 protein (p.Ala426Thr). This variant is present in population databases (rs56264519, gnomAD 0.1%), and has an allele count higher than expected for a pathogenic variant. This missense change has been observed in individuals with nonsyndromic hearing loss (PMID: 21786053, 28566687, 29196752, 30242206). It has also been observed to segregate with disease in related individuals. This variant is also known as p.Ala425Thr. ClinVar contains an entry for this variant (Variation ID: 46102). Invitae Evidence Modeling of protein sequence and biophysical properties (such as structural, functional, and spatial information, amino acid conservation, physicochemical variation, residue mobility, and thermodynamic stability) indicates that this missense variant is expected to disrupt TMPRSS3 protein function with a positive predictive value of 95%. Experimental studies have shown that this missense change affects TMPRSS3 function (PMID: 12920079). For these reasons, this variant has been classified as Pathogenic.

Variantyx, Inc.
Classification: Likely pathogenic for Autosomal recessive nonsyndromic hearing loss 8. Last evaluated: 2026-01-06. Review status: criteria provided, single submitter. Criteria: Variantyx Assertion Criteria 2022. Collection method: clinical testing. Allele origin: germline. Inheritance: Autosomal recessive inheritance. Affected: yes.
Comment: This is a nonsynonymous variant in the TMPRSS3 gene (OMIM: 605511). Pathogenic variants in this gene have been associated with autosomal recessive deafness 8/10. Computational algorithms produce conflicting evidence regarding the predicted functional impact of this variant (REVEL score: 0.561), but functional studies have shown that this variant alters TMPRSS3 protein function (PMID: 12920079) (PS3_Moderate). This variant has a 0.1867% maximum allele frequency in non-founder control populations. Based on the current evidence, this variant is classified as likely pathogenic for autosomal recessive deafness 8/10.

Genetics Laboratory, Great Ormond Street Hospital NHS Foundation Trust, North Thames Genomic Laboratory Hub
Classification: Pathogenic for Monogenic hearing loss. Last evaluated: 2025-10-10. Review status: criteria provided, single submitter. Criteria: ACGS Best Practice Guidelines for Variant Classification in Rare Disease 2024 v1.2. Collection method: clinical testing. Allele origin: germline. Affected: yes.
Comment: PS3_moderate, PP1_strong, PM3_very-strong

Women's Health and Genetics/Laboratory Corporation of America, LabCorp
Classification: Pathogenic for Autosomal recessive nonsyndromic hearing loss 8. Last evaluated: 2025-06-30. Review status: criteria provided, single submitter. Criteria: LabCorp Variant Classification Summary - May 2015. Collection method: clinical testing. Allele origin: germline.
Comment: Variant summary: TMPRSS3 c.1276G>A (p.Ala426Thr) results in a non-conservative amino acid change in the encoded protein sequence. Algorithms developed to predict the effect of missense changes on protein structure and function all suggest that this variant is likely to be disruptive. The variant allele was found at a frequency of 0.00097 in 251402 control chromosomes (gnomAD). This frequency is not significantly higher than estimated for a pathogenic variant in TMPRSS3 causing Deafness, Autosomal Recessive 8, allowing no conclusion about variant significance. c.1276G>A has been observed in multiple individuals affected with Deafness, Autosomal Recessive 8 (Weegerink_2011, Colbert_2024). These data indicate that the variant is very likely to be associated with disease. At least one publication reports experimental evidence evaluating an impact on protein function. The most pronounced variant effect results in 10%-<30% of normal activity (Lee_2003). The following publications have been ascertained in the context of this evaluation (PMID: 38691166, 12920079, 21786053). ClinVar contains an entry for this variant (Variation ID: 46102). Based on the evidence outlined above, the variant was classified as pathogenic.

Blueprint Genetics
Classification: Pathogenic for TMPRSS3-related disorders. Last evaluated: 2024-11-28. Review status: criteria provided, single submitter. Criteria: ACMG Guidelines, 2015. Collection method: clinical testing. Allele origin: germline. Affected: yes. Observed: 5 variant alleles.

Revvity Omics, Revvity
Classification: Likely pathogenic for Autosomal recessive nonsyndromic hearing loss 8. Last evaluated: 2024-09-23. Review status: criteria provided, single submitter. Criteria: ACMG Guidelines, 2015. Collection method: clinical testing. Allele origin: germline.

Fulgent Genetics
Classification: Likely pathogenic for Autosomal recessive nonsyndromic hearing loss 8. Last evaluated: 2024-02-05. Review status: criteria provided, single submitter. Criteria: ACMG Guidelines, 2015. Collection method: clinical testing. Allele origin: germline.